The following is an entry in ClinVar:

NM_000548.5(TSC2):c.2553C>T (p.Ala851=)

Gene: TSC2 (TSC complex subunit 2; plus strand). Cytogenetic location: 16p13.3.
Variant type: single nucleotide variant.
Coding change: c.2553C>T on transcript NM_000548.5 (MANE Select); coding-DNA position 2553, C replaced by T.
Protein change: p.Ala851=; no amino-acid change (alanine 851 retained).
Molecular consequence: synonymous variant.
Genome position (GRCh38, 1-based): chr16:2,075,806, C>T. VCF-style: chr16-2075806-C-T. GRCh37 (hg19) VCF-style: chr16-2125807-C-T.
Other names: c.2553C>T, p.Ala851= (NM_001077183.3, NM_001114382.3, NM_001363528.2 and 3 more transcripts); c.2442C>T, p.Ala814= (NM_001318827.2); c.2406C>T, p.Ala802= (NM_001318829.2); c.1953C>T, p.Ala651= (NM_001318831.2); c.2586C>T, p.Ala862= (NM_001318832.2).
Identifiers: ClinVar variation 703685 (VCV000703685.26), dbSNP rs745687916, ClinGen allele CA040006.

ClinVar aggregate classification (germline): Conflicting classifications of pathogenicity. Review status: criteria provided, conflicting classifications (1 of 4 stars). 9 submissions from 9 submitters: Uncertain significance (1); Benign (2); Likely benign (6). Last evaluated 2025-12-10.

Conditions:
Hereditary cancer-predisposing syndrome. Also called: Tumor predisposition; Hereditary neoplastic syndrome; Neoplastic Syndromes, Hereditary; Hereditary Cancer Syndrome. Identifiers: Orphanet 140162, MedGen C0027672, MeSH D009386, MONDO:0015356.
Tuberous sclerosis 2 (TSC2). Identifiers: Orphanet 805, MedGen C1860707, MONDO:0013199, OMIM 613254.
Tuberous sclerosis syndrome (TSC). Also called: Tuberous Sclerosis Complex; Tuberous sclerosis. Identifiers: Orphanet 805, MedGen C0041341, MONDO:0001734.

Allele frequency attached by ClinVar (database versions not stated): gnomAD exomes below 0.00001 and 0.00001; ExAC 0.00001; gnomAD 0.00001; TOPMed 0.00002.
gnomAD v4.1: 10 of 1,612,608 alleles (0.00062%); highest among the groups gnomAD compares: Admixed American, 0.0017%; no homozygotes.

Submissions (9):

Labcorp Genetics (formerly Invitae), Labcorp
Classification: Likely benign for Tuberous sclerosis 2. Last evaluated: 2025-12-10. Review status: criteria provided, single submitter. Criteria: Invitae Variant Classification Sherloc (09022015). Collection method: clinical testing. Allele origin: germline.

Myriad Genetics, Inc.
Classification: Benign for Tuberous sclerosis 2. Last evaluated: 2025-05-20. Review status: criteria provided, single submitter. Criteria: Myriad Autosomal Dominant, Autosomal Recessive and X-Linked Classification Criteria (2023). Collection method: clinical testing. Allele origin: unknown.
Comment: This variant is considered benign. This variant is a silent/synonymous amino acid change and it is not expected to impact splicing.

All of Us Research Program, National Institutes of Health
Classification: Likely benign for Tuberous sclerosis syndrome. Last evaluated: 2023-11-20. Review status: criteria provided, single submitter. Criteria: ACMG Guidelines, 2015. Collection method: clinical testing. Allele origin: germline. Inheritance: Autosomal dominant inheritance. Observed: 6 variant alleles, 6 heterozygotes.
Comment: This study involves interpretation of variants in research participants for the purpose of population health screening. Participant phenotype was not available at the time of variant classification. Additional details can be found in publication PMID: 35346344, PMCID: PMC8962531

Color Diagnostics, LLC DBA Color Health
Classification: Likely benign for Tuberous sclerosis syndrome. Last evaluated: 2022-09-26. Review status: criteria provided, single submitter. Criteria: ACMG Guidelines, 2015. Collection method: clinical testing. Allele origin: germline.

Genome-Nilou Lab
Classification: Benign for Tuberous sclerosis 2. Last evaluated: 2021-11-07. Review status: criteria provided, single submitter. Criteria: ACMG Guidelines, 2015. Collection method: clinical testing. Allele origin: germline. Affected: no.

Sema4
Classification: Likely benign for Hereditary cancer-predisposing syndrome. Last evaluated: 2021-07-29. Review status: criteria provided, single submitter. Criteria: Sema4 Curation Guidelines. Collection method: curation. Allele origin: germline.

GeneDx
Classification: Likely benign. Last evaluated: 2020-03-26. Review status: criteria provided, single submitter. Criteria: GeneDx Variant Classification Process June 2021. Collection method: clinical testing. Allele origin: germline. Affected: yes.

Revvity Omics, Revvity
Classification: Uncertain significance for Tuberous sclerosis 2. Last evaluated: 2019-06-01. Review status: criteria provided, single submitter. Criteria: ACMG Guidelines, 2015. Collection method: clinical testing. Allele origin: germline.

Ambry Genetics
Classification: Likely benign for Hereditary cancer-predisposing syndrome. Last evaluated: 2018-01-24. Review status: criteria provided, single submitter. Criteria: Ambry Variant Classification Scheme 2023. Collection method: clinical testing. Allele origin: germline.